The following is an entry in ClinVar:

ClinVar aggregate classification (germline): Uncertain significance. Review status: criteria provided, multiple submitters, no conflicts (2 of 4 stars). 4 submissions from 4 submitters: Uncertain significance (4). Last evaluated 2025-12-08.

Allele frequency attached by ClinVar (database versions not stated): ExAC 0.00001; gnomAD 0.00001; gnomAD exomes 0.00002; TOPMed 0.00002.
gnomAD v4.1: 37 of 1,614,064 alleles (0.0023%); highest among the groups gnomAD compares: Middle Eastern, 0.033%; no homozygotes.

Submissions (4):

GeneDx
Classification: Uncertain significance. Last evaluated: 2025-12-08. Review status: criteria provided, single submitter. Criteria: GeneDx Variant Classification Process June 2021. Collection method: clinical testing. Allele origin: germline.
Comment: Seen with a second MYO15A variant, phase unknown, in a patient with severe bilateral hearing loss in published literature (PMID: 38374194); Not observed at significant frequency in large population cohorts (gnomAD); In silico analysis supports that this missense variant has a deleterious effect on protein structure/function; This variant is associated with the following publications: (PMID: 38374194)

Blueprint Genetics
Classification: Uncertain significance. Last evaluated: 2024-07-15. Review status: criteria provided, single submitter. Criteria: ACMG Guidelines, 2015. Collection method: clinical testing. Allele origin: germline.

Labcorp Genetics (formerly Invitae), Labcorp
Classification: Uncertain significance. Last evaluated: 2022-03-02. Review status: criteria provided, single submitter. Criteria: Invitae Variant Classification Sherloc (09022015). Collection method: clinical testing. Allele origin: germline.
Comment: This sequence change replaces aspartic acid, which is acidic and polar, with asparagine, which is neutral and polar, at codon 2882 of the MYO15A protein (p.Asp2882Asn). This variant is present in population databases (rs752873001, gnomAD 0.003%). This missense change has been observed in individual(s) with clinical features of MYO15A-related conditions (Invitae). ClinVar contains an entry for this variant (Variation ID: 439946). Advanced modeling of protein sequence and biophysical properties (such as structural, functional, and spatial information, amino acid conservation, physicochemical variation, residue mobility, and thermodynamic stability) performed at Invitae indicates that this missense variant is not expected to disrupt MYO15A protein function. In summary, the available evidence is currently insufficient to determine the role of this variant in disease. Therefore, it has been classified as a Variant of Uncertain Significance.

ARUP Laboratories, Molecular Genetics and Genomics, ARUP Laboratories
Classification: Uncertain significance. Last evaluated: 2016-09-28. Review status: criteria provided, single submitter. Criteria: ARUP Molecular Germline Variant Investigation Process. Collection method: clinical testing. Allele origin: germline.

NM_016239.4(MYO15A):c.8644G>A (p.Asp2882Asn)

Gene: MYO15A (myosin XVA; plus strand). Cytogenetic location: 17p11.2.
Variant type: single nucleotide variant.
Coding change: c.8644G>A on transcript NM_016239.4 (MANE Select); coding-DNA position 8644, G replaced by A.
Protein change: p.Asp2882Asn; replaces aspartic acid 2882 with asparagine.
Molecular consequence: missense variant.
Genome position (GRCh38, 1-based): chr17:18,156,996, G>A. VCF-style: chr17-18156996-G-A. GRCh37 (hg19) VCF-style: chr17-18060310-G-A.
Other names: c.8644G>A (NM_016239.3); short protein forms D2882N.
Identifiers: ClinVar variation 439946 (VCV000439946.14), dbSNP rs752873001, ClinGen allele CA8425220.
Genomic context (GRCh38, chr17:18,156,996, plus strand): 5'-TGCCTCTGGCTGACCCAGGACTCTGACTACGTGGTCGCTGTGAGGAACTTCCTGCCTGAG[G>A]ACCCTGCGCTGCTGGCTTTCCACAAGGGTGACATCATACACCTGCAGCCCCTAGAGCCAC-3'
Protein context (NP_057323.3, residues 2872-2892): VVAVRNFLPE[Asp2882Asn]PALLAFHKGD